The following is an entry in ClinVar:

ClinVar aggregate classification (germline): Uncertain significance (1 of 4 stars; one submission).

Submission:

Labcorp Genetics (formerly Invitae), Labcorp
Classification: Uncertain significance. Last evaluated: 2023-10-22. Review status: criteria provided, single submitter. Criteria: Invitae Variant Classification Sherloc (09022015). Collection method: clinical testing. Allele origin: germline.
Comment: This sequence change replaces proline, which is neutral and non-polar, with threonine, which is neutral and polar, at codon 697 of the AP3D1 protein (p.Pro697Thr). This variant is not present in population databases (gnomAD no frequency). This variant has not been reported in the literature in individuals affected with AP3D1-related conditions. ClinVar contains an entry for this variant (Variation ID: 2107854). An algorithm developed to predict the effect of missense changes on protein structure and function (PolyPhen-2) suggests that this variant is likely to be tolerated. In summary, the available evidence is currently insufficient to determine the role of this variant in disease. Therefore, it has been classified as a Variant of Uncertain Significance.

NM_001261826.3(AP3D1):c.2089C>A (p.Pro697Thr)

Gene: AP3D1 (adaptor related protein complex 3 subunit delta 1; minus strand). Cytogenetic location: 19p13.3.
Variant type: single nucleotide variant.
Coding change: c.2089C>A on transcript NM_001261826.3 (MANE Select); coding-DNA position 2089, C replaced by A.
Protein change: p.Pro697Thr; replaces proline 697 with threonine.
Molecular consequence: missense variant.
Genome position (GRCh38, 1-based): chr19:2,115,598, G>T on the plus strand (C>A on the coding strand, the complement: AP3D1 is on the minus strand). VCF-style: chr19-2115598-G-T. GRCh37 (hg19) VCF-style: chr19-2115597-G-T.
Other names: c.2089C>A, p.Pro697Thr (NM_001374799.1, NM_003938.8); short protein forms P697T.
Identifiers: ClinVar variation 2107854 (VCV002107854.4), dbSNP rs2512153471, ClinGen allele CA403214620.